The following is an entry in ClinVar:

ClinVar aggregate classification (germline): Uncertain significance (1 of 4 stars; one submission).

Conditions:
Familial thoracic aortic aneurysm and aortic dissection (TAAD). Also called: Thoracic aortic aneurysms and dissections. Identifiers: Orphanet 91387, MedGen C4707243, MONDO:0019625.

Submission:

Color Diagnostics, LLC DBA Color Health
Classification: Uncertain significance for Familial thoracic aortic aneurysm and aortic dissection. Last evaluated: 2025-06-17. Review status: criteria provided, single submitter. Criteria: ACMG Guidelines, 2015. Collection method: clinical testing. Allele origin: germline.
Comment: This missense variant replaces proline with serine at codon 104 of the COL3A1 protein. Computational prediction suggests that this variant may not impact protein structure and function. To our knowledge, functional studies have not been reported for this variant. This variant has not been reported in individuals affected with COL3A1-related disorders in the literature. This variant has not been identified in the general population by the Genome Aggregation Database (gnomAD). The available evidence is insufficient to determine the role of this variant in disease conclusively. Therefore, this variant is classified as a Variant of Uncertain Significance.

NM_000090.4(COL3A1):c.310C>T (p.Pro104Ser)

Gene: COL3A1 (collagen type III alpha 1 chain; plus strand). Cytogenetic location: 2q32.2.
Variant type: single nucleotide variant.
Coding change: c.310C>T on transcript NM_000090.4 (MANE Select); coding-DNA position 310, C replaced by T.
Protein change: p.Pro104Ser; replaces proline 104 with serine.
Molecular consequence: missense variant.
Genome position (GRCh38, 1-based): chr2:188,985,224, C>T. VCF-style: chr2-188985224-C-T. GRCh37 (hg19) VCF-style: chr2-189849950-C-T.
Other names: short protein forms P104S.
Identifiers: ClinVar variation 4756927 (VCV004756927.1).
Genomic context (GRCh38, chr2:188,985,224, plus strand): 5'-TCTTGTTTAACTTGTTTCTTTTCCATTTATTAGCCTACTCGCCCTCCTAATGGTCAAGGA[C>T]CTCAAGGCCCCAAGGGAGATCCAGTAAGTAAACATTCTTCAGTAGAATAAAATTAATACT-3'
Protein context (NP_000081.2, residues 94-114): APTRPPNGQG[Pro104Ser]QGPKGDPGPP